The following is an entry in ClinVar:

ClinVar aggregate classification (germline): Uncertain significance (3 of 4 stars; one submission).

Conditions:
Monogenic diabetes. Identifiers: Orphanet 183625, MedGen C3888631, MONDO:0015967.

Submission:

ClinGen Monogenic Diabetes Variant Curation Expert Panel
Classification: Uncertain significance for Monogenic diabetes. Last evaluated: 2024-12-13. Review status: reviewed by expert panel. Criteria: ClinGen Diabetes ACMG Specifications HNF4A V2.0.0. Collection method: curation. Allele origin: germline. Inheritance: Autosomal dominant inheritance.
Comment: The c.1283C>G variant in the hepatocyte nuclear factor 4 alpha gene, HNF4A, causes an amino acid change of proline to arginine at codon 428 (p.(Pro428Arg)) of NM_175914.5. This variant has an incomputable gnomAD v2.1.1 Grpmax filtering allele frequency due to 1 copy in the European non-Finnish subpopulation and 0 copy in any other subpopulation, thereby meeting the ClinGen MDEP threshold criteria for PM2_Supporting (ENF Grpmax FAF <= 0.000003 and <= 2 copies in ENF and <=1 copy in any other subpopulation) (PM2_Supporting). This variant has a REVEL score of 0.167, which is between the ClinGen MDEP thresholds for BP4 and PP3, predicting neither a damaging nor benign impact on HNF4A function. This variant was identified in an individual(s) with diabetes; however, the calculated MODY probability is <50% (internal lab contributors). In summary, c.1283C>G meets the criteria to be classified as uncertain significance for monogenic diabetes. ACMG/AMP criteria applied, as specified by the ClinGen MDEP VCEP (specification version 2.0.0, approved 10/11/2023): PM2_supporting.

NM_175914.5(HNF4A):c.1283C>G (p.Pro428Arg)

Gene: HNF4A (hepatocyte nuclear factor 4 alpha; plus strand). Cytogenetic location: 20q13.12.
Variant type: single nucleotide variant.
Coding change: c.1283C>G on transcript NM_175914.5 (MANE Select); coding-DNA position 1283, C replaced by G.
Protein change: p.Pro428Arg; replaces proline 428 with arginine.
Molecular consequence: missense variant.
Genome position (GRCh38, 1-based): chr20:44,429,589, C>G. VCF-style: chr20-44429589-C-G. GRCh37 (hg19) VCF-style: chr20-43058229-C-G.
Other names: NM_175914.5:c.1283C>G; c.1349C>G, p.Pro450Arg (NM_000457.6); c.1253C>G, p.Pro418Arg (NM_001030003.3); c.1328C>G, p.Pro443Arg (NM_001258355.2); c.1244C>G, p.Pro415Arg (NM_001287182.2); c.1274C>G, p.Pro425Arg (NM_001287183.2); c.1319C>G, p.Pro440Arg (NM_178849.3); short protein forms P440R, P418R, P428R, P425R, P415R, P443R, P450R.
Identifiers: ClinVar variation 3393514 (VCV003393514.1).
Genomic context (GRCh38, chr20:44,429,589, plus strand): 5'-CTGAGACCCCACAGCCCTCACCGCCAGGTGGCTCAGGGTCTGAGCCCTATAAGCTCCTGC[C>G]GGGAGCCGTCGCCACAATCGTCAAGCCCCTCTCTGCCATCCCCCAGCCGACCATCACCAA-3'
Protein context (NP_787110.2, residues 418-438): GSGSEPYKLL[Pro428Arg]GAVATIVKPL